The following is an entry in ClinVar:

NM_001040142.2(SCN2A):c.3874A>G (p.Asn1292Asp)

Gene: SCN2A (sodium voltage-gated channel alpha subunit 2; plus strand). Cytogenetic location: 2q24.3.
Variant type: single nucleotide variant.
Coding change: c.3874A>G on transcript NM_001040142.2 (MANE Select); coding-DNA position 3874, A replaced by G.
Protein change: p.Asn1292Asp; replaces asparagine 1292 with aspartic acid.
Molecular consequence: missense variant.
Genome position (GRCh38, 1-based): chr2:165,373,249, A>G. VCF-style: chr2-165373249-A-G. GRCh37 (hg19) VCF-style: chr2-166229759-A-G.
Other names: c.3874A>G, p.Asn1292Asp (NM_001040143.2, NM_001371246.1, NM_001371247.1 and 1 more transcripts); short protein forms N1292D.
Identifiers: ClinVar variation 1522401 (VCV001522401.8), dbSNP rs2105370639, ClinGen allele CA349028855.

ClinVar aggregate classification (germline): Uncertain significance (1 of 4 stars; one submission).

Conditions:
Seizures, benign familial infantile, 3 (BFIS3). Also called: Familial neonatal seizures; CONVULSIONS, BENIGN FAMILIAL INFANTILE, 3. Identifiers: Orphanet 140927, Orphanet 306, MedGen C1843140, MONDO:0011904, OMIM 607745.
Developmental and epileptic encephalopathy, 11 (DEE11). Also called: Early infantile epileptic encephalopathy 11. Identifiers: Orphanet 1934, MedGen C3150987, MONDO:0013388, OMIM 613721.

Submission:

Labcorp Genetics (formerly Invitae), Labcorp
Classification: Uncertain significance for Seizures, benign familial infantile, 3; Developmental and epileptic encephalopathy, 11. Last evaluated: 2021-05-18. Review status: criteria provided, single submitter. Criteria: Invitae Variant Classification Sherloc (09022015). Collection method: clinical testing. Allele origin: germline.
Comment: In summary, the available evidence is currently insufficient to determine the role of this variant in disease. Therefore, it has been classified as a Variant of Uncertain Significance. Algorithms developed to predict the effect of sequence changes on RNA splicing suggest that this variant may create or strengthen a splice site, but this prediction has not been confirmed by published transcriptional studies. Algorithms developed to predict the effect of missense changes on protein structure and function are either unavailable or do not agree on the potential impact of this missense change (SIFT: "Deleterious"; PolyPhen-2: "Possibly Damaging"; Align-GVGD: "Class C0"). This variant has been observed in individual(s) with clinical features of developmental and epileptic encephalopathy (Invitae). This variant is not present in population databases (ExAC no frequency). This sequence change replaces asparagine with aspartic acid at codon 1292 of the SCN2A protein (p.Asn1292Asp). The asparagine residue is highly conserved and there is a small physicochemical difference between asparagine and aspartic acid.